The following is an entry in ClinVar:

NM_001040108.2(MLH3):c.259C>T (p.Pro87Ser)

Gene: MLH3 (mutL homolog 3; minus strand). Cytogenetic location: 14q24.3.
Variant type: single nucleotide variant.
Coding change: c.259C>T on transcript NM_001040108.2 (MANE Select); coding-DNA position 259, C replaced by T.
Protein change: p.Pro87Ser; replaces proline 87 with serine.
Molecular consequence: missense variant.
Genome position (GRCh38, 1-based): chr14:75,049,397, G>A on the plus strand (C>T on the coding strand, the complement: MLH3 is on the minus strand). VCF-style: chr14-75049397-G-A. GRCh37 (hg19) VCF-style: chr14-75516100-G-A.
Other names: c.259C>T, p.Pro87Ser (NM_014381.3); short protein forms P87S.
Identifiers: ClinVar variation 4844644 (VCV004844644.1).

ClinVar aggregate classification (germline): Uncertain significance (1 of 4 stars; one submission).

Submission:

Ambry Genetics
Classification: Uncertain significance. Last evaluated: 2026-02-16. Review status: criteria provided, single submitter. Criteria: Ambry Variant Classification Scheme 2023. Collection method: clinical testing. Allele origin: germline.
Comment: The p.P87S variant (also known as c.259C>T), located in coding exon 1 of the MLH3 gene, results from a C to T substitution at nucleotide position 259. The proline at codon 87 is replaced by serine, an amino acid with similar properties. This amino acid position is conserved. In addition, the in silico prediction for this alteration is inconclusive. Based on the available evidence, the clinical significance of this variant remains unclear.